The following is an entry in ClinVar:

ClinVar aggregate classification (germline): Uncertain significance (1 of 4 stars; one submission).

Submission:

GeneDx
Classification: Uncertain significance. Last evaluated: 2024-08-29. Review status: criteria provided, single submitter. Criteria: GeneDx Variant Classification Process June 2021. Collection method: clinical testing. Allele origin: germline. Affected: yes.
Comment: Not observed at significant frequency in large population cohorts (gnomAD); In silico analysis supports that this missense variant has a deleterious effect on protein structure/function; Has not been previously published as pathogenic or benign to our knowledge

NM_015570.4(AUTS2):c.2524A>C (p.Lys842Gln)

Gene: AUTS2 (activator of transcription and developmental regulator AUTS2; plus strand). Cytogenetic location: 7q11.22.
Variant type: single nucleotide variant.
Coding change: c.2524A>C on transcript NM_015570.4 (MANE Select); coding-DNA position 2524, A replaced by C.
Protein change: p.Lys842Gln; replaces lysine 842 with glutamine.
Molecular consequence: missense variant.
Genome position (GRCh38, 1-based): chr7:70,787,424, A>C. VCF-style: chr7-70787424-A-C. GRCh37 (hg19) VCF-style: chr7-70252410-A-C.
Other names: c.2452A>C, p.Lys818Gln (NM_001127231.3); short protein forms K818Q, K842Q.
Identifiers: ClinVar variation 3766389 (VCV003766389.1).